The following is an entry in ClinVar:

NC_000007.13:g.(?_5410006)_(5434226_?)del

Gene: TNRC18 (trinucleotide repeat containing 18; minus strand). Cytogenetic location: 7p22.1.
Variant type: Deletion.
Identifiers: ClinVar variation 1373499 (VCV001373499.5).

ClinVar aggregate classification (germline): Uncertain significance (1 of 4 stars; one submission).

Submission:

Labcorp Genetics (formerly Invitae), Labcorp
Classification: Uncertain significance. Last evaluated: 2021-04-09. Review status: criteria provided, single submitter. Criteria: Invitae Variant Classification Sherloc (09022015). Collection method: clinical testing. Allele origin: germline.
Comment: In summary, the available evidence is currently insufficient to determine the role of this variant in disease. Therefore, it has been classified as a Variant of Uncertain Significance. This variant has not been reported in the literature in individuals with TNRC18-related conditions. This variant is a gross deletion of the genomic region encompassing exon(s) 3-11 of the TNRC18 gene. This variant would be expected to be in-frame, preserving the integrity of the reading frame.